The following is an entry in ClinVar:

ClinVar aggregate classification (germline): Uncertain significance (1 of 4 stars; one submission).

Conditions:
Aortic aneurysm, familial thoracic 4 (AAT4). Also called: AORTIC ANEURYSM/AORTIC DISSECTION AND PATENT DUCTUS ARTERIOSUS. Identifiers: MedGen C1851504, MONDO:0007568, OMIM 132900.

Allele frequency attached by ClinVar (database versions not stated): gnomAD exomes below 0.00001.
gnomAD v4.1: 2 of 1,613,196 alleles (0.00012%); highest among the groups gnomAD compares: South Asian, 0.0011%; no homozygotes.

Submission:

Labcorp Genetics (formerly Invitae), Labcorp
Classification: Uncertain significance for Aortic aneurysm, familial thoracic 4. Last evaluated: 2026-01-02. Review status: criteria provided, single submitter. Criteria: Invitae Variant Classification Sherloc (09022015). Collection method: clinical testing. Allele origin: germline.
Comment: This sequence change replaces glutamic acid, which is acidic and polar, with aspartic acid, which is acidic and polar, at codon 912 of the MYH11 protein (p.Glu912Asp). This variant is not present in population databases (gnomAD no frequency). This variant has not been reported in the literature in individuals affected with MYH11-related conditions. ClinVar contains an entry for this variant (Variation ID: 2747392). Invitae Evidence Modeling of protein sequence and biophysical properties (such as structural, functional, and spatial information, amino acid conservation, physicochemical variation, residue mobility, and thermodynamic stability) indicates that this missense variant is not expected to disrupt MYH11 protein function with a negative predictive value of 95%. In summary, the available evidence is currently insufficient to determine the role of this variant in disease. Therefore, it has been classified as a Variant of Uncertain Significance.

NM_002474.3(MYH11):c.2715G>C (p.Glu905Asp)

Gene: MYH11 (myosin heavy chain 11; minus strand). Cytogenetic location: 16p13.11.
Variant type: single nucleotide variant.
Coding change: c.2715G>C on transcript NM_002474.3 (MANE Select); coding-DNA position 2715, G replaced by C.
Protein change: p.Glu905Asp; replaces glutamic acid 905 with aspartic acid.
Molecular consequence: missense variant.
Genome position (GRCh38, 1-based): chr16:15,741,607, C>G on the plus strand (G>C on the coding strand, the complement: MYH11 is on the minus strand). VCF-style: chr16-15741607-C-G. GRCh37 (hg19) VCF-style: chr16-15835464-C-G.
Other names: c.2736G>C, p.Glu912Asp (NM_001040113.2, NM_001040114.2); c.2715G>C, p.Glu905Asp (NM_022844.3); short protein forms E912D, E905D.
Identifiers: ClinVar variation 2747392 (VCV002747392.3), dbSNP rs2506205967, ClinGen allele CA394865528.